The following is an entry in ClinVar:

NM_004606.5(TAF1):c.1240G>T (p.Asp414Tyr)

Gene: TAF1 (TATA-box binding protein associated factor 1; plus strand). Cytogenetic location: Xq13.1.
Variant type: single nucleotide variant.
Coding change: c.1240G>T on transcript NM_004606.5 (MANE Select); coding-DNA position 1240, G replaced by T.
Protein change: p.Asp414Tyr; replaces aspartic acid 414 with tyrosine.
Molecular consequence: missense variant. On other transcripts: non-coding transcript variant (9).
Genome position (GRCh38, 1-based): chrX:71,378,911, G>T. VCF-style: chrX-71378911-G-T. GRCh37 (hg19) VCF-style: chrX-70598761-G-T.
Other names: c.1240G>T, p.Asp414Tyr (NM_001286074.2); c.1177G>T, p.Asp393Tyr (NM_138923.4); short protein forms D393Y, D414Y.
Identifiers: ClinVar variation 2499144 (VCV002499144.28), dbSNP rs2520159254, ClinGen allele CA413510398.

ClinVar aggregate classification (germline): Uncertain significance (1 of 4 stars; one submission).

Submission:

CeGaT Center for Human Genetics Tuebingen
Classification: Uncertain significance. Last evaluated: 2023-02-01. Review status: criteria provided, single submitter. Criteria: CeGaT Center For Human Genetics Tuebingen Variant Classification Criteria Version 2. Collection method: clinical testing. Allele origin: germline. Affected: yes. Observed: 1 variant allele.
Comment: TAF1: PM2, PP4